The following is an entry in ClinVar:

NM_004991.4(MECOM):c.515T>C (p.Phe172Ser)

Gene: MECOM (MDS1 and EVI1 complex locus; minus strand). Cytogenetic location: 3q26.2.
Variant type: single nucleotide variant.
Coding change: c.515T>C on transcript NM_004991.4 (MANE Select); coding-DNA position 515, T replaced by C.
Protein change: p.Phe172Ser; replaces phenylalanine 172 with serine.
Molecular consequence: missense variant. On other transcripts: 5 prime UTR variant (12).
Genome position (GRCh38, 1-based): chr3:169,131,527, A>G on the plus strand (T>C on the coding strand, the complement: MECOM is on the minus strand). VCF-style: chr3-169131527-A-G. GRCh37 (hg19) VCF-style: chr3-168849315-A-G.
Other names: c.143T>C, p.Phe48Ser (NM_001105077.4); c.-50T>C (NM_001105078.4, NM_001163999.2, NM_001164000.2 and 9 more transcripts); c.515T>C, p.Phe172Ser (NM_001366466.2, NM_001366473.2); short protein forms F172S, F48S.
Identifiers: ClinVar variation 4624723 (VCV004624723.1).

ClinVar aggregate classification (germline): Uncertain significance (1 of 4 stars; one submission).

Conditions:
Inborn genetic diseases. Identifiers: MedGen C0950123, MeSH D030342.

Submission:

Ambry Genetics
Classification: Uncertain significance for Inborn genetic diseases. Last evaluated: 2025-11-29. Review status: criteria provided, single submitter. Criteria: Ambry Variant Classification Scheme 2023. Collection method: clinical testing. Allele origin: germline.
Comment: The p.F172S variant (also known as c.515T>C), located in coding exon 4 of the MECOM gene, results from a T to C substitution at nucleotide position 515. The phenylalanine at codon 172 is replaced by serine, an amino acid with highly dissimilar properties. This amino acid position is conserved. In addition, this alteration is predicted to be tolerated by in silico analysis. Based on the available evidence, the clinical significance of this variant remains unclear.